The following is an entry in ClinVar:

NM_013266.4(CTNNA3):c.2530C>A (p.Pro844Thr)

Gene: CTNNA3 (catenin alpha 3; minus strand). Cytogenetic location: 10q21.3.
Variant type: single nucleotide variant.
Coding change: c.2530C>A on transcript NM_013266.4 (MANE Select); coding-DNA position 2530, C replaced by A.
Protein change: p.Pro844Thr; replaces proline 844 with threonine.
Molecular consequence: missense variant.
Genome position (GRCh38, 1-based): chr10:65,920,488, G>T on the plus strand (C>A on the coding strand, the complement: CTNNA3 is on the minus strand). VCF-style: chr10-65920488-G-T. GRCh37 (hg19) VCF-style: chr10-67680246-G-T.
Other names: c.2530C>A, p.Pro844Thr (NM_001127384.3); short protein forms P844T.
Identifiers: ClinVar variation 2867476 (VCV002867476.3), dbSNP rs2077066633, ClinGen allele CA377088921.
Genomic context (GRCh38, chr10:65,920,488, plus strand): 5'-GCTTCTCTCTTTTAATCAAGGGTTTTTTTGCAGGAGCCTTCATTCTCCACATCACAACTG[G>T]GTGCCGGGGCCCAGCAGGACTCTGGATTCGGATGATCTTGGTTGAGGCAATGTAAGACAT-3'
Protein context (NP_037398.2, residues 834-854): RIQSPAGPRH[Pro844Thr]VVMWRMKAPA

ClinVar aggregate classification (germline): Uncertain significance (1 of 4 stars; one submission).

Conditions:
Arrhythmogenic right ventricular dysplasia 13. Also called: ARRHYTHMOGENIC RIGHT VENTRICULAR CARDIOMYOPATHY 13; Arrhythmogenic right ventricular dysplasia, familial, 13. Identifiers: MedGen C3810138, MONDO:0000908, OMIM 615616.

Submission:

Labcorp Genetics (formerly Invitae), Labcorp
Classification: Uncertain significance for Arrhythmogenic right ventricular dysplasia 13. Last evaluated: 2023-08-29. Review status: criteria provided, single submitter. Criteria: Invitae Variant Classification Sherloc (09022015). Collection method: clinical testing. Allele origin: germline.
Comment: This sequence change replaces proline, which is neutral and non-polar, with threonine, which is neutral and polar, at codon 844 of the CTNNA3 protein (p.Pro844Thr). This variant is not present in population databases (gnomAD no frequency). This variant has not been reported in the literature in individuals affected with CTNNA3-related conditions. Advanced modeling of protein sequence and biophysical properties (such as structural, functional, and spatial information, amino acid conservation, physicochemical variation, residue mobility, and thermodynamic stability) performed at Invitae indicates that this missense variant is not expected to disrupt CTNNA3 protein function. In summary, the available evidence is currently insufficient to determine the role of this variant in disease. Therefore, it has been classified as a Variant of Uncertain Significance.